The following is an entry in ClinVar:

NM_001048174.2(MUTYH):c.832T>C (p.Cys278Arg)

Gene: MUTYH (mutY DNA glycosylase; minus strand). Cytogenetic location: 1p34.1.
Variant type: single nucleotide variant.
Coding change: c.832T>C on transcript NM_001048174.2 (MANE Select); coding-DNA position 832, T replaced by C.
Protein change: p.Cys278Arg; replaces cysteine 278 with arginine.
Molecular consequence: missense variant. On other transcripts: non-coding transcript variant (7).
Genome position (GRCh38, 1-based): chr1:45,332,183, A>G on the plus strand (T>C on the coding strand, the complement: MUTYH is on the minus strand). VCF-style: chr1-45332183-A-G. GRCh37 (hg19) VCF-style: chr1-45797855-A-G.
Other names: c.790T>C, p.Cys264Arg (NM_001407080.1); c.832T>C, p.Cys278Arg (NM_001407081.1, NM_001407088.1, NM_001407089.1 and 6 more transcripts); c.487T>C, p.Cys163Arg (NM_001407082.1, NM_001350650.2, NM_001350651.2); c.874T>C, p.Cys292Arg (NM_001407083.1, NM_001407085.1); c.835T>C, p.Cys279Arg (NM_001407086.1, NM_001048172.2, NM_001407071.1 and 1 more transcripts); c.853T>C, p.Cys285Arg (NM_001407087.1); c.556T>C, p.Cys186Arg (NM_001407091.1, NM_001293192.2, NM_001293196.2); c.916T>C, p.Cys306Arg (NM_001128425.2); and 5 more; short protein forms C163R, C279R, C306R, C186R, C250R, C265R, C289R, C292R.
Identifiers: ClinVar variation 2906405 (VCV002906405.4), dbSNP rs2524070985, ClinGen allele CA340134334.

ClinVar aggregate classification (germline): Conflicting classifications of pathogenicity. Review status: criteria provided, conflicting classifications (1 of 4 stars). 2 submissions from 2 submitters: Pathogenic (1); Uncertain significance (1). Last evaluated 2026-01-07.

Conditions:
Hereditary cancer-predisposing syndrome. Also called: Hereditary neoplastic syndrome; Neoplastic Syndromes, Hereditary; Tumor predisposition; Hereditary Cancer Syndrome. Identifiers: Orphanet 140162, MedGen C0027672, MeSH D009386, MONDO:0015356.
Familial adenomatous polyposis 2. Also called: MYH-associated polyposis; MUTYH-related attenuated familial adenomatous polyposis; FAP type 2; COLORECTAL ADENOMATOUS POLYPOSIS, AUTOSOMAL RECESSIVE; ADENOMAS, MULTIPLE COLORECTAL, AUTOSOMAL RECESSIVE; MUTYH-associated polyposis. Identifiers: Orphanet 220460, Orphanet 247798, MedGen C3272841, MONDO:0012041, OMIM 608456.

Allele frequency attached by ClinVar (database versions not stated): gnomAD exomes below 0.00001.

Submissions (2):

Ambry Genetics
Classification: Pathogenic for Hereditary cancer-predisposing syndrome. Last evaluated: 2026-01-07. Review status: criteria provided, single submitter. Criteria: Ambry Variant Classification Scheme 2023. Collection method: clinical testing. Allele origin: germline.
Comment: The p.C306R pathogenic mutation (also known as c.916T>C), located in coding exon 10 of the MUTYH gene, results from a T to C substitution at nucleotide position 916. The cysteine at codon 306 is replaced by arginine, an amino acid with highly dissimilar properties. Other variant(s) at the same codon, p.C306W (c.918C>G), have been identified in homozygous and/or compound heterozygous individual(s) with features consistent with MUTYH-associated polyposis (Ambry internal data). Based on internal structural analysis, p.C306R is deleterious and is predicted to disrupt the [4Fe-4S] iron-sulfur cluster necessary for recognition of damaged DNA. In a massively parallel cell-based functional assay testing 7,8-dihydro-8-oxoguanine:adenine (8OG:A) repair activity, a byproduct of oxidative damage, this variant was reported to be non-functional (Hemker SL et al. Am J Hum Genet. Published online July 29, 2025. DOI: 10.1016/j.ajhg.2025.07.005). This amino acid position is highly conserved in available vertebrate species. In addition, this alteration is predicted to be deleterious by in silico analysis. This variant is considered to be rare based on population cohorts in the Genome Aggregation Database (gnomAD). Based on the supporting evidence, this variant is interpreted as a disease-causing mutation.

Labcorp Genetics (formerly Invitae), Labcorp
Classification: Uncertain significance for Familial adenomatous polyposis 2. Last evaluated: 2023-10-06. Review status: criteria provided, single submitter. Criteria: Invitae Variant Classification Sherloc (09022015). Collection method: clinical testing. Allele origin: germline.
Comment: This sequence change replaces cysteine, which is neutral and slightly polar, with arginine, which is basic and polar, at codon 306 of the MUTYH protein (p.Cys306Arg). This variant is not present in population databases (gnomAD no frequency). This variant has not been reported in the literature in individuals affected with MUTYH-related conditions. An algorithm developed to predict the effect of missense changes on protein structure and function (PolyPhen-2) suggests that this variant is likely to be disruptive. In summary, the available evidence is currently insufficient to determine the role of this variant in disease. Therefore, it has been classified as a Variant of Uncertain Significance.